The following is an entry in ClinVar:

NM_021098.3(CACNA1H):c.6713C>G (p.Ser2238Ter)

Gene: CACNA1H (calcium voltage-gated channel subunit alpha1 H; plus strand). Cytogenetic location: 16p13.3.
Variant type: single nucleotide variant.
Coding change: c.6713C>G on transcript NM_021098.3 (MANE Select); coding-DNA position 6713, C replaced by G.
Protein change: p.Ser2238Ter; replaces serine 2238 with a stop codon.
Molecular consequence: nonsense.
Genome position (GRCh38, 1-based): chr16:1,220,645, C>G. VCF-style: chr16-1220645-C-G. GRCh37 (hg19) VCF-style: chr16-1270645-C-G.
Other names: c.6695C>G, p.Ser2232Ter (NM_001005407.2); short protein forms S2232*, S2238*.
Identifiers: ClinVar variation 1316092 (VCV001316092.2), dbSNP rs774045741, ClinGen allele CA394150282.

ClinVar aggregate classification (germline): Uncertain significance (1 of 4 stars; one submission).

Submission:

GeneDx
Classification: Uncertain significance. Last evaluated: 2019-09-13. Review status: criteria provided, single submitter. Criteria: GeneDx Variant Classification Process June 2021. Collection method: clinical testing. Allele origin: germline. Affected: yes.
Comment: Not observed in large population cohorts (Lek et al., 2016); Nonsense variant predicted to result in protein truncation, although loss-of-function variants have not been reported downstream of this position in the protein; Has not been previously published as pathogenic or benign to our knowledge